The following is an entry in ClinVar:

NM_199242.3(UNC13D):c.118-309C>T

Gene: UNC13D (unc-13 homolog D; minus strand). Cytogenetic location: 17q25.1.
Variant type: single nucleotide variant.
Coding change: c.118-309C>T on transcript NM_199242.3 (MANE Select); 309 bases into the intron before coding-DNA position 118, C replaced by T.
Molecular consequence: intron variant.
Genome position (GRCh38, 1-based): chr17:75,843,828, G>A on the plus strand (C>T on the coding strand, the complement: UNC13D is on the minus strand). VCF-style: chr17-75843828-G-A. GRCh37 (hg19) VCF-style: chr17-73839909-G-A.
Identifiers: ClinVar variation 4531681 (VCV004531681.1).

ClinVar aggregate classification (germline): Uncertain significance (1 of 4 stars; one submission).

Conditions:
Familial hemophagocytic lymphohistiocytosis 3 (FHL3). Also called: UNC13D-Related Familial Hemophagocytic Lymphohistiocytosis (UNC13D-fHLH). Identifiers: Orphanet 540, MedGen C1837174, MONDO:0012146, OMIM 608898.

Submission:

Victorian Clinical Genetics Services, Murdoch Childrens Research Institute
Classification: Uncertain significance for Familial hemophagocytic lymphohistiocytosis 3. Last evaluated: 2025-05-20. Review status: criteria provided, single submitter. Criteria: ACMG Guidelines, 2015. Collection method: clinical testing. Allele origin: germline. Affected: yes.
Comment: This variant is classified as VUS-3A. Evidence in support of pathogenic classification: Variant is absent from gnomAD (v2, v3 and v4); Variant is located in a well-established ETS binding site (PMIDs: 21931115, 24842371, 39469717, 24470399); Very strong and specific phenotype match for this individual. Additional information: Non-coding variant without known or predicted effect; This variant is homozygous; This gene is associated with autosomal recessive disease; Alternative nucleotide change(s) at the same position are present in gnomAD (Highest allele count: v4: 1 heterozygote(s), 0 homozygote(s)); This variant has no previous evidence of pathogenicity; No published segregation evidence has been identified for this variant; No published functional evidence has been identified for this variant; No comparable intronic variants have previous evidence for pathogenicity; Loss of function is a known mechanism of disease in this gene and is associated with familial hemophagocytic lymphohistiocytosis 3 (MIM#608898).

Literature cited by the submitters: PubMed 21931115; PubMed 24470399; PubMed 24842371; PubMed 39469717.